The following is an entry in ClinVar:

ClinVar aggregate classification (germline): Uncertain significance (1 of 4 stars; one submission).

Allele frequency attached by ClinVar (database versions not stated): gnomAD exomes below 0.00001.
gnomAD v4.1: 5 of 1,486,932 alleles (0.00034%); highest among the groups gnomAD compares: Non-Finnish European, 0.00036%; no homozygotes.

Submission:

Labcorp Genetics (formerly Invitae), Labcorp
Classification: Uncertain significance. Last evaluated: 2022-06-09. Review status: criteria provided, single submitter. Criteria: Invitae Variant Classification Sherloc (09022015). Collection method: clinical testing. Allele origin: germline.
Comment: In summary, the available evidence is currently insufficient to determine the role of this variant in disease. Therefore, it has been classified as a Variant of Uncertain Significance. Algorithms developed to predict the effect of missense changes on protein structure and function are either unavailable or do not agree on the potential impact of this missense change (SIFT: "Deleterious"; PolyPhen-2: "Benign"; Align-GVGD: "Class C15"). This variant has not been reported in the literature in individuals affected with ARHGEF1-related conditions. This variant is not present in population databases (gnomAD no frequency). This sequence change replaces glutamic acid, which is acidic and polar, with lysine, which is basic and polar, at codon 383 of the ARHGEF1 protein (p.Glu383Lys).

NM_004706.4(ARHGEF1):c.1102G>A (p.Glu368Lys)

Gene: ARHGEF1 (Rho guanine nucleotide exchange factor 1; plus strand). Cytogenetic location: 19q13.2.
Variant type: single nucleotide variant.
Coding change: c.1102G>A on transcript NM_004706.4 (MANE Select); coding-DNA position 1102, G replaced by A.
Protein change: p.Glu368Lys; replaces glutamic acid 368 with lysine.
Molecular consequence: missense variant. On other transcripts: non-coding transcript variant (2).
Genome position (GRCh38, 1-based): chr19:41,896,463, G>A. VCF-style: chr19-41896463-G-A. GRCh37 (hg19) VCF-style: chr19-42400536-G-A.
Other names: c.1102G>A, p.Glu368Lys (NM_001396000.1, NM_001396003.1, NM_001396006.1); c.1003G>A, p.Glu335Lys (NM_001396002.1, NM_001396004.1, NM_198977.2); c.1147G>A, p.Glu383Lys (NM_199002.2); short protein forms E368K, E383K, E335K.
Identifiers: ClinVar variation 2141126 (VCV002141126.4), dbSNP rs918201984, ClinGen allele CA308586122.